The following is an entry in ClinVar:

NM_006950.3(SYN1):c.1639C>A (p.Arg547Ser)

Gene: SYN1 (synapsin I; minus strand). Cytogenetic location: Xp11.3.
Variant type: single nucleotide variant.
Coding change: c.1639C>A on transcript NM_006950.3 (MANE Select); coding-DNA position 1639, C replaced by A.
Protein change: p.Arg547Ser; replaces arginine 547 with serine.
Molecular consequence: missense variant.
Genome position (GRCh38, 1-based): chrX:47,574,345, G>T on the plus strand (C>A on the coding strand, the complement: SYN1 is on the minus strand). VCF-style: chrX-47574345-G-T. GRCh37 (hg19) VCF-style: chrX-47433744-G-T.
Other names: c.1639C>A, p.Arg547Ser (NM_133499.2); short protein forms R547S.
Identifiers: ClinVar variation 3643870 (VCV003643870.2).
Genomic context (GRCh38, chrX:47,574,345, plus strand): 5'-TCTGACGGGTAGCCTGTGGGGGGCCCGCCTGGCGCTGGGGAGACGGAGAGGCGGGCGGGC[G>T]GGCTGCTGGAGGCGCCCCGGGGCCTCCCGCCACTGGCCGGGATTGGCGGCCTTGACCCTG-3'
Protein context (NP_008881.2, residues 537-557): AGGPGAPPAA[Arg547Ser]PPASPSPQRQ

ClinVar aggregate classification (germline): Uncertain significance (1 of 4 stars; one submission).

Conditions:
Epilepsy, X-linked 1, with variable learning disabilities and behavior disorders. Also called: X-linked epilepsy-learning disabilities-behavior disorders syndrome. Identifiers: Orphanet 85294, MedGen C5774177, MONDO:0010339, OMIM 300491.

gnomAD v4.1: 3 of 1,043,144 alleles (0.00029%); highest among the groups gnomAD compares: East Asian, 0.0081%; no homozygotes.

Submission:

Labcorp Genetics (formerly Invitae), Labcorp
Classification: Uncertain significance for Epilepsy, X-linked 1, with variable learning disabilities and behavior disorders. Last evaluated: 2024-02-29. Review status: criteria provided, single submitter. Criteria: Invitae Variant Classification Sherloc (09022015). Collection method: clinical testing. Allele origin: germline.
Comment: This sequence change replaces arginine, which is basic and polar, with serine, which is neutral and polar, at codon 547 of the SYN1 protein (p.Arg547Ser). The frequency data for this variant in the population databases is considered unreliable, as metrics indicate insufficient coverage at this position in the gnomAD database. This variant has not been reported in the literature in individuals affected with SYN1-related conditions. Experimental studies and prediction algorithms are not available or were not evaluated, and the functional significance of this variant is currently unknown. In summary, the available evidence is currently insufficient to determine the role of this variant in disease. Therefore, it has been classified as a Variant of Uncertain Significance.